The following is an entry in ClinVar:

ClinVar aggregate classification (germline): Uncertain significance (1 of 4 stars; one submission).

Conditions:
Chédiak-Higashi syndrome (CHS). Also called: Chediak-Higashi Syndrome. Identifiers: Orphanet 167, MedGen C0007965, MONDO:0008963, OMIM 214500.

Submission:

Labcorp Genetics (formerly Invitae), Labcorp
Classification: Uncertain significance for Chédiak-Higashi syndrome. Last evaluated: 2024-06-21. Review status: criteria provided, single submitter. Criteria: Invitae Variant Classification Sherloc (09022015). Collection method: clinical testing. Allele origin: germline.
Comment: This sequence change replaces serine, which is neutral and polar, with glycine, which is neutral and non-polar, at codon 1058 of the LYST protein (p.Ser1058Gly). Information on the frequency of this variant in the gnomAD database is not available, as this variant may be reported differently in the database. This variant has not been reported in the literature in individuals affected with LYST-related conditions. ClinVar contains an entry for this variant (Variation ID: 1405433). Experimental studies and prediction algorithms are not available or were not evaluated, and the functional significance of this variant is currently unknown. In summary, the available evidence is currently insufficient to determine the role of this variant in disease. Therefore, it has been classified as a Variant of Uncertain Significance.

NM_000081.4(LYST):c.3171_3172delinsAG (p.Ser1058Gly)

Gene: LYST (lysosomal trafficking regulator; minus strand). Cytogenetic location: 1q42.3.
Variant type: Indel.
Coding change: c.3171_3172delinsAG on transcript NM_000081.4 (MANE Select); coding-DNA positions 3171 to 3172, GA replaced by AG.
Protein change: p.Ser1058Gly; replaces serine 1058 with glycine.
Molecular consequence: missense variant.
Genome position (GRCh38, 1-based): chr1:235,805,964-235,805,965, TC replaced by CT on the plus strand (GA replaced by AG on the coding strand, the reverse complement: LYST is on the minus strand). VCF-style: chr1-235805964-TC-CT. GRCh37 (hg19) VCF-style: chr1-235969264-TC-CT.
Other names: c.3171_3172delinsAG, p.Ser1058Gly (NM_001301365.1); short protein forms S1058G.
Identifiers: ClinVar variation 1405433 (VCV001405433.4), dbSNP rs2527072814, ClinGen allele CA2573132056.